The following is an entry in ClinVar:

ClinVar aggregate classification (germline): Uncertain significance (1 of 4 stars; one submission).

Conditions:
Hereditary breast ovarian cancer syndrome. Also called: Hereditary breast and ovarian cancer syndrome (HBOC); Hereditary breast and ovarian cancer; Breast and ovarian cancer; Hereditary breast and/or ovarian cancer syndrome; BRCA1- and BRCA2-Associated Hereditary Breast and Ovarian Cancer; Hereditary breast and ovarian cancer syndrome. Identifiers: Orphanet 145, MedGen C0677776, MeSH D061325, MONDO:0003582. Disease mechanism: loss of function.

Submission:

Labcorp Genetics (formerly Invitae), Labcorp
Classification: Uncertain significance for Hereditary breast ovarian cancer syndrome. Last evaluated: 2025-02-13. Review status: criteria provided, single submitter. Criteria: Invitae Variant Classification Sherloc (09022015). Collection method: clinical testing. Allele origin: germline.
Comment: This sequence change replaces threonine, which is neutral and polar, with lysine, which is basic and polar, at codon 557 of the BRCA1 protein (p.Thr557Lys). This variant is not present in population databases (gnomAD no frequency). This variant has not been reported in the literature in individuals affected with BRCA1-related conditions. Invitae Evidence Modeling of protein sequence and biophysical properties (such as structural, functional, and spatial information, amino acid conservation, physicochemical variation, residue mobility, and thermodynamic stability) indicates that this missense variant is not expected to disrupt BRCA1 protein function with a negative predictive value of 80%. In summary, the available evidence is currently insufficient to determine the role of this variant in disease. Therefore, it has been classified as a Variant of Uncertain Significance.

NM_007294.4(BRCA1):c.1670C>A (p.Thr557Lys)

Gene: BRCA1 (BRCA1 DNA repair associated; minus strand). Cytogenetic location: 17q21.31.
Variant type: single nucleotide variant.
Coding change: c.1670C>A on transcript NM_007294.4 (MANE Select); coding-DNA position 1670, C replaced by A.
Protein change: p.Thr557Lys; replaces threonine 557 with lysine.
Molecular consequence: missense variant. On other transcripts: intron variant (137).
Genome position (GRCh38, 1-based): chr17:43,093,861, G>T on the plus strand (C>A on the coding strand, the complement: BRCA1 is on the minus strand). VCF-style: chr17-43093861-G-T. GRCh37 (hg19) VCF-style: chr17-41245878-G-T.
Other names: c.709+883C>A (NM_001408414.1, NM_001408411.1, NM_001408415.1 and 2 more transcripts); c.667+1985C>A (NM_001408431.1, NM_001408424.1, NM_001408421.1); c.784+883C>A (NM_001408407.1, NM_001408402.1, NM_001408473.1 and 13 more transcripts); c.577+883C>A (NM_001408514.1, NM_001408485.1, NM_001408483.1 and 9 more transcripts); c.661+883C>A (NM_001408447.1, NM_001408433.1, NM_001408446.1 and 6 more transcripts); c.664+883C>A (NM_001408441.1, NM_001408437.1, NM_001408429.1 and 12 more transcripts); c.787+883C>A (NM_001407979.1, NM_001407977.1, NM_001407980.1 and 19 more transcripts); c.646+883C>A (NM_001408410.1, NM_001408458.1, NM_001408469.1 and 11 more transcripts); and 40 more; short protein forms T486K, T487K, T489K, T490K, T509K, T510K, T515K, T516K.
Identifiers: ClinVar variation 4800856 (VCV004800856.1).